The following is an entry in ClinVar:

ClinVar aggregate classification (germline): Uncertain significance. Review status: criteria provided, multiple submitters, no conflicts (2 of 4 stars). 2 submissions from 2 submitters: Uncertain significance (2). Last evaluated 2024-01-30.

Conditions:
Inborn genetic diseases. Identifiers: MedGen C0950123, MeSH D030342.

gnomAD v4.1: 4 of 1,614,006 alleles (0.00025%); no homozygotes.

Submissions (2):

Ambry Genetics
Classification: Uncertain significance for Inborn genetic diseases. Last evaluated: 2024-01-30. Review status: criteria provided, single submitter. Criteria: Ambry Variant Classification Scheme 2023. Collection method: clinical testing. Allele origin: germline.

Labcorp Genetics (formerly Invitae), Labcorp
Classification: Uncertain significance. Last evaluated: 2022-03-11. Review status: criteria provided, single submitter. Criteria: Invitae Variant Classification Sherloc (09022015). Collection method: clinical testing. Allele origin: germline.
Comment: This sequence change replaces alanine, which is neutral and non-polar, with threonine, which is neutral and polar, at codon 1282 of the COL7A1 protein (p.Ala1282Thr). This variant is not present in population databases (gnomAD no frequency). This variant has not been reported in the literature in individuals affected with COL7A1-related conditions. Advanced modeling of protein sequence and biophysical properties (such as structural, functional, and spatial information, amino acid conservation, physicochemical variation, residue mobility, and thermodynamic stability) performed at Invitae indicates that this missense variant is not expected to disrupt COL7A1 protein function. In summary, the available evidence is currently insufficient to determine the role of this variant in disease. Therefore, it has been classified as a Variant of Uncertain Significance.

NM_000094.4(COL7A1):c.3844G>A (p.Ala1282Thr)

Gene: COL7A1 (collagen type VII alpha 1 chain; minus strand). Cytogenetic location: 3p21.31.
Variant type: single nucleotide variant.
Coding change: c.3844G>A on transcript NM_000094.4 (MANE Select); coding-DNA position 3844, G replaced by A.
Protein change: p.Ala1282Thr; replaces alanine 1282 with threonine.
Molecular consequence: missense variant.
Genome position (GRCh38, 1-based): chr3:48,585,607, C>T on the plus strand (G>A on the coding strand, the complement: COL7A1 is on the minus strand). VCF-style: chr3-48585607-C-T. GRCh37 (hg19) VCF-style: chr3-48623040-C-T.
Other names: short protein forms A1282T.
Identifiers: ClinVar variation 2149462 (VCV002149462.2), dbSNP rs1560247419, ClinGen allele CA352701051.
Genomic context (GRCh38, chr3:48,585,607, plus strand): 5'-CCACACTCACCCTCTCGCCCTTGGCAGTGGCACTTCCAGGGGGCCCCTGGGGGCCGGGAG[C>T]ACCGGTCCTGCCCTGAAAGAAGATAGCAGTTAGGTGGGGATAAGCCAGTCAGGGTGCAGG-3'
Protein context (NP_000085.1, residues 1272-1292): GDPGLPGRTG[Ala1282Thr]PGPQGPPGSA